The following is an entry in ClinVar:

ClinVar aggregate classification (germline): Uncertain significance (1 of 4 stars; one submission).

Conditions:
Deficiency of acetyl-CoA acetyltransferase. Also called: Beta-ketothiolase deficiency; MITOCHONDRIAL ACETOACETYL-CoA THIOLASE DEFICIENCY; 3-KETOTHIOLASE DEFICIENCY; 3-OXOTHIOLASE DEFICIENCY. Identifiers: Orphanet 134, MedGen C1536500, MONDO:0008760, OMIM 203750. Disease mechanism: loss of function.

Submission:

Labcorp Genetics (formerly Invitae), Labcorp
Classification: Uncertain significance for Deficiency of acetyl-CoA acetyltransferase. Last evaluated: 2021-06-11. Review status: criteria provided, single submitter. Criteria: Invitae Variant Classification Sherloc (09022015). Collection method: clinical testing. Allele origin: germline.
Comment: In summary, the available evidence is currently insufficient to determine the role of this variant in disease. Therefore, it has been classified as a Variant of Uncertain Significance. Algorithms developed to predict the effect of missense changes on protein structure and function are either unavailable or do not agree on the potential impact of this missense change (SIFT: "Tolerated"; PolyPhen-2: "Possibly Damaging"; Align-GVGD: "Class C0"). This variant has not been reported in the literature in individuals with ACAT1-related conditions. This variant is not present in population databases (ExAC no frequency). This sequence change replaces valine with leucine at codon 86 of the ACAT1 protein (p.Val86Leu). The valine residue is moderately conserved and there is a small physicochemical difference between valine and leucine.

NM_000019.4(ACAT1):c.256G>T (p.Val86Leu)

Gene: ACAT1 (acetyl-CoA acetyltransferase 1; plus strand). Cytogenetic location: 11q22.3.
Variant type: single nucleotide variant.
Coding change: c.256G>T on transcript NM_000019.4 (MANE Select); coding-DNA position 256, G replaced by T.
Protein change: p.Val86Leu; replaces valine 86 with leucine.
Molecular consequence: missense variant. On other transcripts: 5 prime UTR variant (10), non-coding transcript variant (2), intron variant (1).
Genome position (GRCh38, 1-based): chr11:108,134,238, G>T. VCF-style: chr11-108134238-G-T. GRCh37 (hg19) VCF-style: chr11-108004965-G-T.
Other names: c.256G>T, p.Val86Leu (NM_001386677.1); c.-22G>T (NM_001386679.1); c.-15G>T (NM_001386681.1, NM_001386682.1, NM_001386685.1 and 6 more transcripts); c.120+2284G>T (NM_001386678.1); short protein forms V86L.
Identifiers: ClinVar variation 1496837 (VCV001496837.8), dbSNP rs1235436246, ClinGen allele CA382506498.